The following is an entry in ClinVar:

ClinVar aggregate classification (germline): Conflicting classifications of pathogenicity. Review status: criteria provided, conflicting classifications (1 of 4 stars). 2 submissions from 2 submitters: Uncertain significance (1); Likely benign (1). Last evaluated 2024-05-10.

Conditions:
Fanconi anemia complementation group O. Also called: RAD51C-Related Fanconi Anemia. Identifiers: Orphanet 84, MedGen C3150653, MONDO:0013248, OMIM 613390.
Hereditary cancer-predisposing syndrome. Also called: Hereditary Cancer Syndrome; Neoplastic Syndromes, Hereditary; Hereditary neoplastic syndrome; Tumor predisposition. Identifiers: Orphanet 140162, MedGen C0027672, MeSH D009386, MONDO:0015356.

Submissions (2):

Ambry Genetics
Classification: Likely benign for Hereditary cancer-predisposing syndrome. Last evaluated: 2024-05-10. Review status: criteria provided, single submitter. Criteria: Ambry Variant Classification Scheme 2023. Collection method: clinical testing. Allele origin: germline.

Labcorp Genetics (formerly Invitae), Labcorp
Classification: Uncertain significance for Fanconi anemia complementation group O. Last evaluated: 2022-04-28. Review status: criteria provided, single submitter. Criteria: Invitae Variant Classification Sherloc (09022015). Collection method: clinical testing. Allele origin: germline.
Comment: Algorithms developed to predict the effect of missense changes on protein structure and function output the following: SIFT: "Tolerated"; PolyPhen-2: "Benign"; Align-GVGD: "Class C0". The histidine amino acid residue is found in multiple mammalian species, which suggests that this missense change does not adversely affect protein function. In summary, the available evidence is currently insufficient to determine the role of this variant in disease. Therefore, it has been classified as a Variant of Uncertain Significance. This variant has not been reported in the literature in individuals affected with RAD51C-related conditions. This sequence change replaces glutamine, which is neutral and polar, with histidine, which is basic and polar, at codon 181 of the RAD51C protein (p.Gln181His). This variant is not present in population databases (gnomAD no frequency).

NM_058216.3(RAD51C):c.543G>C (p.Gln181His)

Gene: RAD51C (RAD51 paralog C; plus strand). Cytogenetic location: 17q22.
Variant type: single nucleotide variant.
Coding change: c.543G>C on transcript NM_058216.3 (MANE Select); coding-DNA position 543, G replaced by C.
Protein change: p.Gln181His; replaces glutamine 181 with histidine.
Molecular consequence: missense variant.
Genome position (GRCh38, 1-based): chr17:58,696,831, G>C. VCF-style: chr17-58696831-G-C. GRCh37 (hg19) VCF-style: chr17-56774192-G-C.
Other names: short protein forms Q181H.
Identifiers: ClinVar variation 2131588 (VCV002131588.5), dbSNP rs777351392, ClinGen allele CA400345279.
Genomic context (GRCh38, chr17:58,696,831, plus strand): 5'-GGGAAGTTTTATGGTTGATAGAGTGGTAGACCTTGCTACTGCCTGCATTCAGCACCTTCA[G>C]CTTATAGCAGAAAAACACAAGGGAGAGGGTAAGTTAGTAAATGATCTTCTTTTTTTCTGT-3'
Protein context (NP_478123.1, residues 171-191): DLATACIQHL[Gln181His]LIAEKHKGEE